The following is an entry in ClinVar:

NM_000088.4(COL1A1):c.696+3A>G

Gene: COL1A1 (collagen type I alpha 1 chain; minus strand). Cytogenetic location: 17q21.33.
Variant type: single nucleotide variant.
Coding change: c.696+3A>G on transcript NM_000088.4 (MANE Select); 3 bases into the intron after coding-DNA position 696, A replaced by G.
Molecular consequence: intron variant.
Genome position (GRCh38, 1-based): chr17:50,197,729, T>C on the plus strand (A>G on the coding strand, the complement: COL1A1 is on the minus strand). VCF-style: chr17-50197729-T-C. GRCh37 (hg19) VCF-style: chr17-48275090-T-C.
Identifiers: ClinVar variation 2767259 (VCV002767259.3), dbSNP rs1316970909, ClinGen allele CA772775264.

ClinVar aggregate classification (germline): Uncertain significance (1 of 4 stars; one submission).

Conditions:
Osteogenesis imperfecta type I (OI1). Also called: Classic Non-deforming Osteogenesis Imperfecta with Blue Sclerae; OI, TYPE I; OSTEOGENESIS IMPERFECTA TARDA; OSTEOGENESIS IMPERFECTA WITH BLUE SCLERAE; Osteogenesis imperfecta type 1; Lobstein's Disease. Identifiers: Orphanet 216796, Orphanet 666, MedGen C0023931, MONDO:0008146, OMIM 166200. Disease mechanism: loss of function.

Allele frequency attached by ClinVar (database versions not stated): gnomAD exomes below 0.00001; gnomAD 0.00001; TOPMed 0.00001.

Submission:

Labcorp Genetics (formerly Invitae), Labcorp
Classification: Uncertain significance for Osteogenesis imperfecta type I. Last evaluated: 2023-07-16. Review status: criteria provided, single submitter. Criteria: Invitae Variant Classification Sherloc (09022015). Collection method: clinical testing. Allele origin: germline.
Comment: Variants that disrupt the consensus splice site are a relatively common cause of aberrant splicing (PMID: 17576681, 9536098). Algorithms developed to predict the effect of sequence changes on RNA splicing suggest that this variant is not likely to affect RNA splicing. This variant has not been reported in the literature in individuals affected with COL1A1-related conditions. This variant is not present in population databases (gnomAD no frequency). This sequence change falls in intron 9 of the COL1A1 gene. It does not directly change the encoded amino acid sequence of the COL1A1 protein. It affects a nucleotide within the consensus splice site. In summary, the available evidence is currently insufficient to determine the role of this variant in disease. Therefore, it has been classified as a Variant of Uncertain Significance.

Literature cited by the submitters: PubMed 17576681; PubMed 9536098.